The following is an entry in ClinVar:

ClinVar aggregate classification (germline): Pathogenic. Review status: criteria provided, multiple submitters, no conflicts (2 of 4 stars). 5 submissions from 5 submitters: Pathogenic (4). 1 of the submissions does not count toward it. Last evaluated 2025-09-16.

Conditions:
BPTF-related disorder. Also called: BPTF-related condition.
Neurodevelopmental disorder with dysmorphic facies and distal limb anomalies. Identifiers: Orphanet 686482, MedGen C4540327, MONDO:0060596, OMIM 617755.
Inborn genetic diseases. Identifiers: MedGen C0950123, MeSH D030342.

Submissions (5):

Ambry Genetics
Classification: Pathogenic for Inborn genetic diseases. Last evaluated: 2025-09-16. Review status: criteria provided, single submitter. Criteria: Ambry Variant Classification Scheme 2023. Collection method: clinical testing. Allele origin: germline.
Comment: The c.209dupG (p.S71Qfs*3) alteration, located in exon 1 (coding exon 1) of the BPTF gene, consists of a duplication of G at position 209, causing a translational frameshift with a predicted alternate stop codon after 3 amino acids. This alteration is expected to result in loss of function by premature protein truncation or nonsense-mediated mRNA decay. This variant was not reported in population-based cohorts in the Genome Aggregation Database (gnomAD). This variant was reported in individual(s) with features consistent with BPTF-related neurodevelopmental disorder (Glinton, 2021). Based on the available evidence, this alteration is classified as pathogenic.

3billion
Classification: Pathogenic for Neurodevelopmental disorder with dysmorphic facies and distal limb anomalies. Last evaluated: 2025-08-11. Review status: criteria provided, single submitter. Criteria: ACMG Guidelines, 2015. Collection method: clinical testing. Allele origin: germline. Affected: yes.
Comment: The variant is observed at an extremely low frequency in the gnomAD v4.1.0 dataset (total allele frequency: 0.001%). Predicted Consequence/Location: Frameshift: predicted to result in a loss or disruption of normal protein function through nonsense-mediated decay (NMD) or protein truncation. Multiple pathogenic variants are reported downstream of the variant. The variant has been reported to be associated with BPTF-related disorder (ClinVar ID: VCV001693493 /PMID: 33522091). Therefore, this variant is classified as Pathogenic according to the recommendation of ACMG/AMP guideline.

GeneDx
Classification: Pathogenic. Last evaluated: 2025-03-20. Review status: criteria provided, single submitter. Criteria: GeneDx Variant Classification Process June 2021. Collection method: clinical testing. Allele origin: germline. Affected: yes.
Comment: Frameshift variant predicted to result in protein truncation or nonsense mediated decay in a gene for which loss of function is a known mechanism of disease; Not observed at significant frequency in large population cohorts (gnomAD); This variant is associated with the following publications: (PMID: 33522091)

Blueprint Genetics
Classification: Pathogenic for BPTF-related disorders. Last evaluated: 2023-06-28. Review status: criteria provided, single submitter. Criteria: ACMG Guidelines, 2015. Collection method: clinical testing. Allele origin: germline. Affected: yes. Observed: 1 variant allele.

OMIM
Classification: Pathogenic for NEURODEVELOPMENTAL DISORDER WITH DYSMORPHIC FACIES AND DISTAL LIMB ANOMALIES. Last evaluated: 2022-06-08. Review status: no assertion criteria provided. Collection method: literature only. Allele origin: germline. Not counted in ClinVar's aggregate classification.

Literature cited by the submitters: PubMed 25954003 (cited by Ambry Genetics); PubMed 27618451 (cited by Ambry Genetics); PubMed 28490743 (cited by Ambry Genetics); PubMed 33522091 (cited by 3 submitters).

NM_182641.4(BPTF):c.209dup (p.Ser71fs)

Gene: BPTF (bromodomain PHD finger transcription factor; plus strand). Cytogenetic location: 17q24.2.
Variant type: Duplication.
Coding change: c.209dup on transcript NM_182641.4 (MANE Select); coding-DNA position 209, one base duplicated (G; older notation c.209dupG).
Protein change: p.Ser71fs; shifts the reading frame from serine 71.
Molecular consequence: frameshift variant.
Genome position (GRCh38, 1-based): chr17:67,825,933, G duplicated; the last of 7 consecutive G bases (chr17:67,825,927-67,825,933); duplicating any one gives the same sequence. VCF-style (leftmost placement, unchanged base first): chr17-67825926-A-AG. GRCh37 (hg19) VCF-style: chr17-65822042-A-AG.
Other names: c.209dup, p.Ser71fs (NM_004459.7); c.209dup (NM_004459.6); c.209dupG (NM_182641.3); short protein forms S71fs.
Identifiers: ClinVar variation 1693493 (VCV001693493.8), dbSNP rs1259365489, ClinGen allele CA627315512.